The following is an entry in ClinVar:

NM_030665.4(RAI1):c.1665C>G (p.Thr555=)

Gene: RAI1 (retinoic acid induced 1; plus strand). Cytogenetic location: 17p11.2.
Variant type: single nucleotide variant.
Coding change: c.1665C>G on transcript NM_030665.4 (MANE Select); coding-DNA position 1665, C replaced by G.
Protein change: p.Thr555=; no amino-acid change (threonine 555 retained).
Molecular consequence: synonymous variant.
Genome position (GRCh38, 1-based): chr17:17,794,613, C>G. VCF-style: chr17-17794613-C-G. GRCh37 (hg19) VCF-style: chr17-17697927-C-G.
Identifiers: ClinVar variation 212002 (VCV000212002.9), dbSNP rs769515020, ClinGen allele CA207456.

ClinVar aggregate classification (germline): Conflicting classifications of pathogenicity. Review status: criteria provided, conflicting classifications (1 of 4 stars). 3 submissions from 3 submitters: Uncertain significance (1); Likely benign (1). 1 of the submissions does not count toward it. Last evaluated 2022-06-08.

Conditions:
RAI1-related disorder. Also called: RAI1-related condition.

Allele frequency attached by ClinVar (database versions not stated): ExAC 0.00001.
gnomAD v4.1: 3 of 1,613,204 alleles (0.00019%); highest among the groups gnomAD compares: Non-Finnish European, 0.00017%; no homozygotes.

Submissions (3):

Blueprint Genetics
Classification: Likely benign. Last evaluated: 2022-06-08. Review status: criteria provided, single submitter. Criteria: ACMG Guidelines, 2015. Collection method: clinical testing. Allele origin: germline.

Genetic Services Laboratory, University of Chicago
Classification: Uncertain significance. Last evaluated: 2014-07-18. Review status: criteria provided, single submitter. Criteria: ACMG Guidelines, 2015. Collection method: clinical testing. Allele origin: germline.

PreventionGenetics, part of Exact Sciences
Classification: Likely benign for RAI1-related condition. Last evaluated: 2023-06-20. Review status: no assertion criteria provided. Collection method: clinical testing. Allele origin: germline. Not counted in ClinVar's aggregate classification.
Comment: This variant is classified as likely benign based on ACMG/AMP sequence variant interpretation guidelines (Richards et al. 2015 PMID: 25741868, with internal and published modifications).